The following is an entry in ClinVar:

NM_001849.4(COL6A2):c.637C>G (p.Arg213Gly)

Gene: COL6A2 (collagen type VI alpha 2 chain; plus strand). Cytogenetic location: 21q22.3.
Variant type: single nucleotide variant.
Coding change: c.637C>G on transcript NM_001849.4 (MANE Select); coding-DNA position 637, C replaced by G.
Protein change: p.Arg213Gly; replaces arginine 213 with glycine.
Molecular consequence: missense variant.
Genome position (GRCh38, 1-based): chr21:46,112,500, C>G. VCF-style: chr21-46112500-C-G. GRCh37 (hg19) VCF-style: chr21-47532414-C-G.
Other names: c.637C>G, p.Arg213Gly (NM_058174.3, NM_058175.3); short protein forms R213G.
Identifiers: ClinVar variation 3602269 (VCV003602269.1).

ClinVar aggregate classification (germline): Uncertain significance (1 of 4 stars; one submission).

Submission:

GeneDx
Classification: Uncertain significance. Last evaluated: 2024-07-30. Review status: criteria provided, single submitter. Criteria: GeneDx Variant Classification Process June 2021. Collection method: clinical testing. Allele origin: germline. Affected: yes.
Comment: Not observed at significant frequency in large population cohorts (gnomAD); In silico analysis supports that this missense variant has a deleterious effect on protein structure/function; Has not been previously published as pathogenic or benign to our knowledge